The following is an entry in ClinVar:

ClinVar aggregate classification (germline): Benign. Review status: criteria provided, multiple submitters, no conflicts (2 of 4 stars). 4 submissions from 4 submitters: Benign (4). Last evaluated 2026-01-20.

Conditions:
Long QT syndrome (LQTS). Identifiers: MedGen C0023976, MeSH D008133, MONDO:0002442. Disease mechanism: loss of function. Inheritance: Various modes of inheritance.

Allele frequency attached by ClinVar (database versions not stated): 1000 Genomes Project 0.00200; ExAC 0.00219; ESP Exome Variant Server 0.00008; TOPMed 0.00010; gnomAD 0.00034 and 0.00002; 1000 Genomes Project 30x 0.00203; gnomAD exomes 0.00103 and 0.00204.
gnomAD v4.1: 1,450 of 1,529,346 alleles (0.095%); highest among the groups gnomAD compares: South Asian, 1.6%; 34 homozygotes.

Submissions (4):

Labcorp Genetics (formerly Invitae), Labcorp
Classification: Benign for Long QT syndrome. Last evaluated: 2026-01-20. Review status: criteria provided, single submitter. Criteria: Invitae Variant Classification Sherloc (09022015). Collection method: clinical testing. Allele origin: germline.

ARUP Laboratories, Molecular Genetics and Genomics, ARUP Laboratories
Classification: Benign. Last evaluated: 2025-02-12. Review status: criteria provided, single submitter. Criteria: ARUP Molecular Germline Variant Investigation Process 2024. Collection method: clinical testing. Allele origin: germline.

Women's Health and Genetics/Laboratory Corporation of America, LabCorp
Classification: Benign. Last evaluated: 2022-11-06. Review status: criteria provided, single submitter. Criteria: LabCorp Variant Classification Summary - May 2015. Collection method: clinical testing. Allele origin: germline.

GeneDx
Classification: Benign. Last evaluated: 2013-01-13. Review status: criteria provided, single submitter. Criteria: GeneDx Variant Classification (06012015). Collection method: clinical testing. Allele origin: germline. Affected: yes.
Comment: This variant is considered likely benign or benign based on one or more of the following criteria: it is a conservative change, it occurs at a poorly conserved position in the protein, it is predicted to be benign by multiple in silico algorithms, and/or has population frequency not consistent with disease.

NM_000719.7(CACNA1C):c.2339+20C>A

Gene: CACNA1C (calcium voltage-gated channel subunit alpha1 C; plus strand). Cytogenetic location: 12p13.33.
Variant type: single nucleotide variant.
Coding change: c.2339+20C>A on transcript NM_000719.7 (MANE Select); 20 bases into the intron after coding-DNA position 2339, C replaced by A.
Molecular consequence: intron variant.
Genome position (GRCh38, 1-based): chr12:2,584,637, C>A. VCF-style: chr12-2584637-C-A. GRCh37 (hg19) VCF-style: chr12-2693803-C-A.
Other names: c.2339+20C>A (NM_001167624.3, NM_001167623.2, NM_001167625.2 and 18 more transcripts); c.2330+20C>A (NM_001129844.2).
Identifiers: ClinVar variation 136616 (VCV000136616.11), dbSNP rs201164691, ClinGen allele CA289821.